The following is an entry in ClinVar:

ClinVar aggregate classification (germline): Likely benign (1 of 4 stars; one submission).

gnomAD v4.1: 1,257 of 1,614,220 alleles (0.078%); highest among the groups gnomAD compares: Middle Eastern, 0.12%; 12 homozygotes.

Submission:

CeGaT Center for Human Genetics Tuebingen
Classification: Likely benign. Last evaluated: 2026-01-01. Review status: criteria provided, single submitter. Criteria: CeGaT Center For Human Genetics Tuebingen Variant Classification Criteria Version 2. Collection method: clinical testing. Allele origin: germline. Affected: yes. Observed: 1 variant allele.
Comment: KAT8: BP4, BP7, BS1

NM_032188.3(KAT8):c.978C>T (p.Arg326=)

Gene: KAT8 (lysine acetyltransferase 8; plus strand). Cytogenetic location: 16p11.2.
Variant type: single nucleotide variant.
Coding change: c.978C>T on transcript NM_032188.3 (MANE Select); coding-DNA position 978, C replaced by T.
Protein change: p.Arg326=; no amino-acid change (arginine 326 retained).
Molecular consequence: synonymous variant.
Genome position (GRCh38, 1-based): chr16:31,130,332, C>T. VCF-style: chr16-31130332-C-T. GRCh37 (hg19) VCF-style: chr16-31141653-C-T.
Other names: c.978C>T, p.Arg326= (NM_182958.4).
Identifiers: ClinVar variation 4820912 (VCV004820912.4).